The following is an entry in ClinVar:

ClinVar aggregate classification (germline): Uncertain significance (1 of 4 stars; one submission).

gnomAD v4.1: 2 of 1,613,980 alleles (0.00012%); highest among the groups gnomAD compares: Non-Finnish European, 0.00017%; no homozygotes.

Submission:

GeneDx
Classification: Uncertain significance. Last evaluated: 2025-02-07. Review status: criteria provided, single submitter. Criteria: GeneDx Variant Classification Process June 2021. Collection method: clinical testing. Allele origin: germline. Affected: yes.
Comment: Not observed at significant frequency in large population cohorts (gnomAD); In silico analysis indicates that this missense variant does not alter protein structure/function; Has not been previously published as pathogenic or benign to our knowledge

NM_177402.5(SYT2):c.114G>C (p.Glu38Asp)

Gene: SYT2 (synaptotagmin 2; minus strand). Cytogenetic location: 1q32.1.
Variant type: single nucleotide variant.
Coding change: c.114G>C on transcript NM_177402.5 (MANE Select); coding-DNA position 114, G replaced by C.
Protein change: p.Glu38Asp; replaces glutamic acid 38 with aspartic acid.
Molecular consequence: missense variant.
Genome position (GRCh38, 1-based): chr1:202,605,659, C>G on the plus strand (G>C on the coding strand, the complement: SYT2 is on the minus strand). VCF-style: chr1-202605659-C-G. GRCh37 (hg19) VCF-style: chr1-202574787-C-G.
Other names: c.114G>C, p.Glu38Asp (NM_001136504.1); short protein forms E38D.
Identifiers: ClinVar variation 3383672 (VCV003383672.2).